The following is an entry in ClinVar:

NM_001048174.2(MUTYH):c.1528T>C (p.Ser510Pro)

Gene: MUTYH (mutY DNA glycosylase; minus strand). Cytogenetic location: 1p34.1.
Variant type: single nucleotide variant.
Coding change: c.1528T>C on transcript NM_001048174.2 (MANE Select); coding-DNA position 1528, T replaced by C.
Protein change: p.Ser510Pro; replaces serine 510 with proline.
Molecular consequence: missense variant. On other transcripts: non-coding transcript variant (2).
Genome position (GRCh38, 1-based): chr1:45,329,344, A>G on the plus strand (T>C on the coding strand, the complement: MUTYH is on the minus strand). VCF-style: chr1-45329344-A-G. GRCh37 (hg19) VCF-style: chr1-45795016-A-G.
Other names: c.1252T>C, p.Ser418Pro (NM_001293196.2, NM_001293192.2, NM_001407091.1); c.1183T>C, p.Ser395Pro (NM_001350650.2, NM_001350651.2, NM_001407082.1); c.1561T>C, p.Ser521Pro (NM_001407069.1, NM_001407077.1, NM_001293191.2); c.1528T>C, p.Ser510Pro (NM_001407070.1, NM_001407072.1, NM_001407073.1 and 6 more transcripts); c.1531T>C, p.Ser511Pro (NM_001407071.1, NM_001048172.2, NM_001407078.1 and 1 more transcripts); c.1444T>C, p.Ser482Pro (NM_001407075.1); c.1612T>C, p.Ser538Pro (NM_001128425.2); c.1573T>C, p.Ser525Pro (NM_001293190.2); and 5 more; short protein forms S521P, S524P, S535P, S538P, S395P, S418P, S482P, S496P.
Identifiers: ClinVar variation 2157755 (VCV002157755.4), dbSNP rs2523733814, ClinGen allele CA340131589.

ClinVar aggregate classification (germline): Uncertain significance (1 of 4 stars; one submission).

Conditions:
Familial adenomatous polyposis 2. Also called: FAP type 2; Adenomas, multiple colorectal; MUTYH-associated polyposis; MUTYH-related attenuated familial adenomatous polyposis; MYH-associated polyposis; COLORECTAL ADENOMATOUS POLYPOSIS, AUTOSOMAL RECESSIVE. Identifiers: Orphanet 220460, Orphanet 247798, MedGen C3272841, MONDO:0012041, OMIM 608456.

Submission:

Labcorp Genetics (formerly Invitae), Labcorp
Classification: Uncertain significance for Familial adenomatous polyposis 2. Last evaluated: 2022-06-29. Review status: criteria provided, single submitter. Criteria: Invitae Variant Classification Sherloc (09022015). Collection method: clinical testing. Allele origin: germline.
Comment: This variant is not present in population databases (gnomAD no frequency). This sequence change replaces serine, which is neutral and polar, with proline, which is neutral and non-polar, at codon 538 of the MUTYH protein (p.Ser538Pro). This variant has not been reported in the literature in individuals affected with MUTYH-related conditions. Algorithms developed to predict the effect of missense changes on protein structure and function output the following: SIFT: "Tolerated"; PolyPhen-2: "Benign"; Align-GVGD: "Class C0". The proline amino acid residue is found in multiple mammalian species, which suggests that this missense change does not adversely affect protein function. In summary, the available evidence is currently insufficient to determine the role of this variant in disease. Therefore, it has been classified as a Variant of Uncertain Significance.